The following is an entry in ClinVar:

ClinVar aggregate classification (germline): Likely benign. Review status: reviewed by expert panel (3 of 4 stars). 12 submissions from 12 submitters: Likely benign (1). 11 of the submissions do not count toward it. Last evaluated 2017-06-29.

Conditions:
BRCA2-related disorder. Also called: BRCA2-related condition; BRCA2-related disorders. Identifiers: MedGen CN239275.
Hereditary cancer-predisposing syndrome. Also called: Tumor predisposition; Hereditary neoplastic syndrome; Hereditary Cancer Syndrome; Neoplastic Syndromes, Hereditary. Identifiers: Orphanet 140162, MedGen C0027672, MeSH D009386, MONDO:0015356.
Hereditary breast ovarian cancer syndrome. Also called: Hereditary breast and ovarian cancer; Hereditary breast and/or ovarian cancer syndrome; BRCA1- and BRCA2-Associated Hereditary Breast and Ovarian Cancer; Hereditary breast and ovarian cancer syndrome (HBOC); Hereditary breast and ovarian cancer syndrome; Breast and ovarian cancer. Identifiers: Orphanet 145, MedGen C0677776, MeSH D061325, MONDO:0003582. Disease mechanism: loss of function.
Breast-ovarian cancer, familial, susceptibility to, 2 (BROVCA2). Also called: BRCA2 Hereditary Breast and Ovarian Cancer. Identifiers: Orphanet 145, MedGen C2675520, MONDO:0012933, OMIM 612555. Disease mechanism: loss of function.

Allele frequency attached by ClinVar (database versions not stated): gnomAD 0.00002; ExAC 0.00004; gnomAD exomes 0.00005; TOPMed 0.00005; ESP Exome Variant Server 0.00008.
gnomAD v4.1: 56 of 1,603,914 alleles (0.0035%); highest among the groups gnomAD compares: Admixed American, 0.0087%; no homozygotes.

Submissions (12):

Evidence-based Network for the Interpretation of Germline Mutant Alleles (ENIGMA)
Classification: Likely benign for Breast-ovarian cancer, familial, susceptibility to, 2. Last evaluated: 2017-06-29. Review status: reviewed by expert panel. Criteria: ENIGMA BRCA1/2 Classification Criteria (2017-06-29). Collection method: curation. Allele origin: germline.
Comment: Synonymous substitution variant, with low bioinformatic likelihood to result in a splicing aberration (Splicing prior probability 0.02).

Labcorp Genetics (formerly Invitae), Labcorp
Classification: Benign for Hereditary breast ovarian cancer syndrome. Last evaluated: 2026-02-03. Review status: criteria provided, single submitter. Criteria: Invitae Variant Classification Sherloc (09022015). Collection method: clinical testing. Allele origin: germline. Not counted in ClinVar's aggregate classification.

Institute for Biomarker Research, Medical Diagnostic Laboratories, L.L.C.
Classification: Likely benign for Hereditary breast ovarian cancer syndrome. Last evaluated: 2025-01-27. Review status: criteria provided, single submitter. Criteria: ACMG Guidelines, 2015. Collection method: clinical testing. Allele origin: germline. Not counted in ClinVar's aggregate classification.
Comment: The synonymous variant NM_000059.4(BRCA2):c.2484T>C (p.Tyr828=) has been reported to ClinVar as Likely benign with a status of (3 stars) reviewed by expert panel (Variation ID 136557 as of 2025-01-02). The p.Tyr828= variant is not predicted to disrupt an existing splice site. The p.Tyr828= variant results in a substitution of a base that is not predicted conserved by GERP++ and PhyloP. For these reasons, this variant has been classified as Likely Benign.

All of Us Research Program, National Institutes of Health
Classification: Benign for Breast-ovarian cancer, familial, susceptibility to, 2. Last evaluated: 2023-12-18. Review status: criteria provided, single submitter. Criteria: ACMG Guidelines, 2015. Collection method: clinical testing. Allele origin: germline. Inheritance: Autosomal dominant inheritance. Observed: 16 variant alleles, 16 heterozygotes. Not counted in ClinVar's aggregate classification.
Comment: This study involves interpretation of variants in research participants for the purpose of population health screening. Participant phenotype was not available at the time of variant classification. Additional details can be found in publication PMID: 35346344, PMCID: PMC8962531

Quest Diagnostics Nichols Institute San Juan Capistrano
Classification: Likely benign. Last evaluated: 2023-03-31. Review status: criteria provided, single submitter. Criteria: Quest Diagnostics criteria. Collection method: clinical testing. Allele origin: unknown. Not counted in ClinVar's aggregate classification.

ARUP Laboratories, Molecular Genetics and Genomics, ARUP Laboratories
Classification: Likely benign. Last evaluated: 2022-05-04. Review status: criteria provided, single submitter. Criteria: ARUP Molecular Germline Variant Investigation Process 2021. Collection method: clinical testing. Allele origin: germline. Not counted in ClinVar's aggregate classification.

Women's Health and Genetics/Laboratory Corporation of America, LabCorp
Classification: Likely benign. Last evaluated: 2020-11-08. Review status: criteria provided, single submitter. Criteria: LabCorp Variant Classification Summary - May 2015. Collection method: clinical testing. Allele origin: germline. Not counted in ClinVar's aggregate classification.

CeGaT Center for Human Genetics Tuebingen
Classification: Likely benign. Last evaluated: 2020-09-01. Review status: criteria provided, single submitter. Criteria: CeGaT Center For Human Genetics Tuebingen Variant Classification Criteria Version 2. Collection method: clinical testing. Allele origin: germline. Affected: yes. Observed: 2 variant alleles. Not counted in ClinVar's aggregate classification.

Color Diagnostics, LLC DBA Color Health
Classification: Benign for Hereditary cancer-predisposing syndrome. Last evaluated: 2016-09-16. Review status: criteria provided, single submitter. Criteria: ACMG Guidelines, 2015. Collection method: clinical testing. Allele origin: germline. Not counted in ClinVar's aggregate classification.

Ambry Genetics
Classification: Likely benign for Hereditary cancer-predisposing syndrome. Last evaluated: 2014-08-04. Review status: criteria provided, single submitter. Criteria: Ambry Variant Classification Scheme 2023. Collection method: clinical testing. Allele origin: germline. Not counted in ClinVar's aggregate classification.

GeneDx
Classification: Benign. Last evaluated: 2013-10-18. Review status: criteria provided, single submitter. Criteria: GeneDx Variant Classification (06012015). Collection method: clinical testing. Allele origin: germline. Affected: yes. Not counted in ClinVar's aggregate classification.
Comment: This variant is considered likely benign or benign based on one or more of the following criteria: it is a conservative change, it occurs at a poorly conserved position in the protein, it is predicted to be benign by multiple in silico algorithms, and/or has population frequency not consistent with disease.

PreventionGenetics, part of Exact Sciences
Classification: Likely benign for BRCA2-related condition. Last evaluated: 2019-11-04. Review status: no assertion criteria provided. Collection method: clinical testing. Allele origin: germline. Not counted in ClinVar's aggregate classification.
Comment: This variant is classified as likely benign based on ACMG/AMP sequence variant interpretation guidelines (Richards et al. 2015 PMID: 25741868, with internal and published modifications).

Literature cited by the submitters: PubMed 15944772 (cited by Quest Diagnostics Nichols Institute San Juan Capistrano and Women's Health and Genetics/Laboratory Corporation of America, LabCorp); PubMed 18060494 (cited by Quest Diagnostics Nichols Institute San Juan Capistrano and Women's Health and Genetics/Laboratory Corporation of America, LabCorp).

NM_000059.4(BRCA2):c.2484T>C (p.Tyr828=)

Gene: BRCA2 (BRCA2 DNA repair associated; plus strand). Cytogenetic location: 13q13.1.
Variant type: single nucleotide variant.
Coding change: c.2484T>C on transcript NM_000059.4 (MANE Select); coding-DNA position 2484, T replaced by C.
Protein change: p.Tyr828=; no amino-acid change (tyrosine 828 retained).
Molecular consequence: synonymous variant.
Genome position (GRCh38, 1-based): chr13:32,336,839, T>C. VCF-style: chr13-32336839-T-C. GRCh37 (hg19) VCF-style: chr13-32910976-T-C.
Other names: p.Y828Y:TAT>TAC.
Identifiers: ClinVar variation 136557 (VCV000136557.71), dbSNP rs45619134, ClinGen allele CA015438.
Genomic context (GRCh38, chr13:32,336,839, plus strand): 5'-ATTAACCAAAAATATTCCCATGGAAAAGAATCAAGATGTATGTGCTTTAAATGAAAATTA[T>C]AAAAACGTTGAGCTGTTGCCACCTGAAAAATACATGAGAGTAGCATCACCTTCAAGAAAG-3'
Protein context (NP_000050.3, residues 818-838): NQDVCALNEN[Tyr828=]KNVELLPPEK